The following is an entry in ClinVar:

ClinVar aggregate classification (germline): Conflicting classifications of pathogenicity. Review status: criteria provided, conflicting classifications (1 of 4 stars). 5 submissions from 5 submitters: Uncertain significance (4); Likely benign (1). Last evaluated 2026-08-10.

Conditions:
Ehlers-Danlos syndrome, classic type, 1 (EDSCL1). Also called: EHLERS-DANLOS SYNDROME, GRAVIS TYPE; EHLERS-DANLOS SYNDROME, SEVERE CLASSIC TYPE; Ehlers-Danlos Syndrome, Classic Type, COL5A1-Related; EDS I; Ehlers-Danlos syndrome, type 1. Identifiers: MedGen C0268335, MONDO:0019567, OMIM 130000.
Familial thoracic aortic aneurysm and aortic dissection (TAAD). Also called: Thoracic aortic aneurysms and dissections. Identifiers: Orphanet 91387, MedGen C4707243, MONDO:0019625.

Allele frequency attached by ClinVar (database versions not stated): ExAC 0.00001; gnomAD exomes 0.00001; TOPMed 0.00002.
gnomAD v4.1: 14 of 1,614,066 alleles (0.00087%); highest among the groups gnomAD compares: Admixed American, 0.0017%; no homozygotes.

Submissions (5):

Ambry Genetics
Classification: Uncertain significance for Familial thoracic aortic aneurysm and aortic dissection. Last evaluated: 2026-08-10. Review status: criteria provided, single submitter. Criteria: Ambry Variant Classification Scheme 2023. Collection method: clinical testing. Allele origin: germline.
Comment: The p.I1279V variant (also known as c.3835A>G), located in coding exon 51 of the COL5A2 gene, results from an A to G substitution at nucleotide position 3835. The isoleucine at codon 1279 is replaced by valine, an amino acid with highly similar properties. This amino acid position is highly conserved in available vertebrate species. In addition, the in silico prediction for this alteration is inconclusive. Based on the available evidence, the clinical significance of this variant remains unclear.

Women's Health and Genetics/Laboratory Corporation of America, LabCorp
Classification: Uncertain significance. Last evaluated: 2026-04-06. Review status: criteria provided, single submitter. Criteria: LabCorp Variant Classification Summary - May 2015. Collection method: clinical testing. Allele origin: germline.
Comment: Variant summary: COL5A2 c.3835A>G (p.Ile1279Val) results in a conservative amino acid change in the encoded protein sequence. Algorithms developed to predict the effect of missense changes on protein structure and function are either unavailable or do not agree on the potential impact of this missense change. The variant allele was found at a frequency of 4e-06 in 251416 control chromosomes. The available data on variant occurrences in the general population are insufficient to allow any conclusion about variant significance. To our knowledge, no occurrence of c.3835A>G in individuals affected with COL5A2-related conditions and no experimental evidence demonstrating its impact on protein function have been reported. ClinVar contains an entry for this variant (Variation ID: 636584). Based on the evidence outlined above, the variant was classified as uncertain significance.

Labcorp Genetics (formerly Invitae), Labcorp
Classification: Likely benign for Ehlers-Danlos syndrome, classic type, 1. Last evaluated: 2025-11-22. Review status: criteria provided, single submitter. Criteria: Invitae Variant Classification Sherloc (09022015). Collection method: clinical testing. Allele origin: germline.

Blueprint Genetics
Classification: Uncertain significance. Last evaluated: 2021-02-11. Review status: criteria provided, single submitter. Criteria: ACMG Guidelines, 2015. Collection method: clinical testing. Allele origin: germline.

GeneDx
Classification: Uncertain significance. Last evaluated: 2020-09-30. Review status: criteria provided, single submitter. Criteria: GeneDx Variant Classification (06012015). Collection method: clinical testing. Allele origin: germline. Affected: yes.
Comment: Has not been previously published as pathogenic or benign to our knowledge; Not observed at a significant frequency in large population cohorts (Lek et al., 2016); Reported in ClinVar as a variant of uncertain significance (ClinVar Variant ID# 636584; Landrum et al., 2016); In silico analysis supports that this missense variant does not alter protein structure/function; Not located in the triple helical region, where the majority of pathogenic missense variants occur (Symoens et al., 2012; Stenson et al., 2014)

NM_000393.5(COL5A2):c.3835A>G (p.Ile1279Val)

Gene: COL5A2 (collagen type V alpha 2 chain; minus strand). Cytogenetic location: 2q32.2.
Variant type: single nucleotide variant.
Coding change: c.3835A>G on transcript NM_000393.5 (MANE Select); coding-DNA position 3835, A replaced by G.
Protein change: p.Ile1279Val; replaces isoleucine 1279 with valine.
Molecular consequence: missense variant.
Genome position (GRCh38, 1-based): chr2:189,039,362, T>C on the plus strand (A>G on the coding strand, the complement: COL5A2 is on the minus strand). VCF-style: chr2-189039362-T-C. GRCh37 (hg19) VCF-style: chr2-189904088-T-C.
Other names: short protein forms I1279V.
Identifiers: ClinVar variation 636584 (VCV000636584.17), dbSNP rs772344964, ClinGen allele CA2021910.
Genomic context (GRCh38, chr2:189,039,362, plus strand): 5'-GGTCATCACACGTGCGGGCTGGGTGCTTTTTCGAGCCATCGGGGCTGCGCATGGTTTCAA[T>C]CTGACTACTGAGTGACTTCAGGGTAGCATGAACCCCTGGGTCCGTTTTGTTTTTGTCATC-3'
Protein context (NP_000384.2, residues 1269-1289): HATLKSLSSQ[Ile1279Val]ETMRSPDGSK